The following is an entry in ClinVar:

ClinVar aggregate classification (germline): Benign. Review status: criteria provided, multiple submitters, no conflicts (2 of 4 stars). 2 submissions from 2 submitters: Benign (2). Last evaluated 2013-08-29.

Allele frequency attached by ClinVar (database versions not stated): ExAC 0.19188; TOPMed 0.18935; 1000 Genomes Project 30x 0.26749; 1000 Genomes Project 0.26777; ESP Exome Variant Server 0.16523; gnomAD 0.18188 and 0.17648.
gnomAD v4.1: 247,047 of 1,613,694 alleles (15%); highest among the groups gnomAD compares: East Asian, 36%; 22,051 homozygotes.

Submissions (2):

GeneDx
Classification: Benign. Last evaluated: 2013-08-29. Review status: criteria provided, single submitter. Criteria: GeneDx Variant Classification (06012015). Collection method: clinical testing. Allele origin: germline. Affected: yes.
Comment: This variant is considered likely benign or benign based on one or more of the following criteria: it is a conservative change, it occurs at a poorly conserved position in the protein, it is predicted to be benign by multiple in silico algorithms, and/or has population frequency not consistent with disease.

Breakthrough Genomics
Classification: Benign. Review status: criteria provided, single submitter. Criteria: ACMG Guidelines, 2015. Collection method: not provided. Allele origin: germline. Inheritance: Unknown mechanism. Affected: yes.

NM_000692.5(ALDH1B1):c.183C>T (p.Thr61=)

Gene: ALDH1B1 (aldehyde dehydrogenase 1 family member B1; plus strand). Cytogenetic location: 9p13.1.
Variant type: single nucleotide variant.
Coding change: c.183C>T on transcript NM_000692.5 (MANE Select); coding-DNA position 183, C replaced by T.
Protein change: p.Thr61=; no amino-acid change (threonine 61 retained).
Molecular consequence: synonymous variant.
Genome position (GRCh38, 1-based): chr9:38,395,931, C>T. VCF-style: chr9-38395931-C-T. GRCh37 (hg19) VCF-style: chr9-38395928-C-T.
Other names: p.T61T:ACC>ACT.
Identifiers: ClinVar variation 136359 (VCV000136359.2), dbSNP rs2073477, ClinGen allele CA289386.
Genomic context (GRCh38, chr9:38,395,931, plus strand): 5'-CAACAATGAATGGCAAGATGCAGTCAGCAAGAAGACCTTCCCGACGGTCAACCCTACCAC[C>T]GGGGAGGTCATTGGGCACGTGGCTGAAGGTGACCGGGCTGATGTGGATCGGGCCGTGAAA-3'
Protein context (NP_000683.3, residues 51-71): KKTFPTVNPT[Thr61=]GEVIGHVAEG